The following is an entry in ClinVar:

NM_017612.5(ZCCHC8):c.154C>T (p.Arg52Trp)

Gene: ZCCHC8 (zinc finger CCHC-type containing 8; minus strand). Cytogenetic location: 12q24.31.
Variant type: single nucleotide variant.
Coding change: c.154C>T on transcript NM_017612.5 (MANE Select); coding-DNA position 154, C replaced by T.
Protein change: p.Arg52Trp; replaces arginine 52 with tryptophan.
Molecular consequence: missense variant. On other transcripts: 5 prime UTR variant (3).
Genome position (GRCh38, 1-based): chr12:122,500,687, G>A on the plus strand (C>T on the coding strand, the complement: ZCCHC8 is on the minus strand). VCF-style: chr12-122500687-G-A. GRCh37 (hg19) VCF-style: chr12-122985234-G-A.
Other names: c.154C>T, p.Arg52Trp (NM_001350935.2); c.-770C>T (NM_001350936.2); c.-391C>T (NM_001350937.2); c.-285C>T (NM_001350938.2); short protein forms R52W.
Identifiers: ClinVar variation 2858957 (VCV002858957.3), dbSNP rs2547222253, ClinGen allele CA482210567.

ClinVar aggregate classification (germline): Uncertain significance (1 of 4 stars; one submission).

Submission:

Labcorp Genetics (formerly Invitae), Labcorp
Classification: Uncertain significance. Last evaluated: 2025-12-23. Review status: criteria provided, single submitter. Criteria: Invitae Variant Classification Sherloc (09022015). Collection method: clinical testing. Allele origin: germline.
Comment: This sequence change replaces arginine, which is basic and polar, with tryptophan, which is neutral and slightly polar, at codon 52 of the ZCCHC8 protein (p.Arg52Trp). This variant is not present in population databases (gnomAD no frequency). This variant has not been reported in the literature in individuals affected with ZCCHC8-related conditions. ClinVar contains an entry for this variant (Variation ID: 2858957). Invitae Evidence Modeling of protein sequence and biophysical properties (such as structural, functional, and spatial information, amino acid conservation, physicochemical variation, residue mobility, and thermodynamic stability) indicates that this missense variant is not expected to disrupt ZCCHC8 protein function with a negative predictive value of 80%. In summary, the available evidence is currently insufficient to determine the role of this variant in disease. Therefore, it has been classified as a Variant of Uncertain Significance.